The following is an entry in ClinVar:

NM_005732.4(RAD50):c.1774del (p.Asp592fs)

Gene: RAD50 (RAD50 double strand break repair protein; plus strand). Cytogenetic location: 5q31.1.
Variant type: Deletion.
Coding change: c.1774del on transcript NM_005732.4 (MANE Select); coding-DNA position 1774, one base deleted (G; older notation c.1774delG).
Protein change: p.Asp592fs; shifts the reading frame from aspartic acid 592.
Molecular consequence: frameshift variant.
Genome position (GRCh38, 1-based): chr5:132,592,015, G deleted; the last of 3 consecutive G bases (chr5:132,592,013-132,592,015); deleting any one gives the same sequence. VCF-style (leftmost placement, unchanged base first): chr5-132592012-AG-A. GRCh37 (hg19) VCF-style: chr5-131927704-AG-A.
Other names: c.1774delG (NM_005732.3); short protein forms D592fs.
Identifiers: ClinVar variation 860238 (VCV000860238.11), dbSNP rs757261714, ClinGen allele CA3405243.
Genomic context (GRCh38, chr5:132,592,012, plus strand): 5'-CCCAACAAAAAACAGCTTGAAGACTGGCTACATAGTAAATCAAAAGAAATTAATCAGACC[AG>A]GGACAGACTTGCCAAATTGAAGTAAGTTGCAACATTTGGAGATGTAATAGAAATCTCTTA-3'

ClinVar aggregate classification (germline): Pathogenic/Likely pathogenic. Review status: criteria provided, multiple submitters, no conflicts (2 of 4 stars). 3 submissions from 3 submitters: Pathogenic (2); Likely pathogenic (1). Last evaluated 2024-05-21.

Conditions:
Nijmegen breakage syndrome-like disorder (NBSLD). Also called: MICROCEPHALY AND SPONTANEOUS CHROMOSOME INSTABILITY WITHOUT IMMUNODEFICIENCY; NBS-LIKE DISORDER; RAD50 DEFICIENCY. Identifiers: Orphanet 240760, MedGen C2751318, MONDO:0013118, OMIM 613078.
Hereditary cancer-predisposing syndrome. Also called: Tumor predisposition; Hereditary neoplastic syndrome; Neoplastic Syndromes, Hereditary; Hereditary Cancer Syndrome. Identifiers: Orphanet 140162, MedGen C0027672, MeSH D009386, MONDO:0015356.

Submissions (3):

Labcorp Genetics (formerly Invitae), Labcorp
Classification: Pathogenic for Hereditary cancer-predisposing syndrome. Last evaluated: 2024-05-21. Review status: criteria provided, single submitter. Criteria: Invitae Variant Classification Sherloc (09022015). Collection method: clinical testing. Allele origin: germline.
Comment: This sequence change creates a premature translational stop signal (p.Asp592Thrfs*6) in the RAD50 gene. It is expected to result in an absent or disrupted protein product. Loss-of-function variants in RAD50 are known to be pathogenic (PMID: 19409520). This variant is present in population databases (rs757261714, gnomAD 0.007%). This variant has not been reported in the literature in individuals affected with RAD50-related conditions. ClinVar contains an entry for this variant (Variation ID: 860238). For these reasons, this variant has been classified as Pathogenic.

Baylor Genetics
Classification: Likely pathogenic for Nijmegen breakage syndrome-like disorder. Last evaluated: 2021-06-24. Review status: criteria provided, single submitter. Criteria: ACMG Guidelines, 2015. Collection method: clinical testing. Allele origin: unknown.

Ambry Genetics
Classification: Pathogenic for Hereditary cancer-predisposing syndrome. Last evaluated: 2020-05-11. Review status: criteria provided, single submitter. Criteria: Ambry Variant Classification Scheme 2023. Collection method: clinical testing. Allele origin: germline.
Comment: The c.1774delG pathogenic mutation, located in coding exon 11 of the RAD50 gene, results from a deletion of one nucleotide at nucleotide position 1774, causing a translational frameshift with a predicted alternate stop codon (p.D592Tfs*6). This alteration is expected to result in loss of function by premature protein truncation or nonsense-mediated mRNA decay. As such, this alteration is interpreted as a disease-causing mutation.

Literature cited by the submitters: PubMed 19409520 (cited by Labcorp Genetics (formerly Invitae), Labcorp).